The following is an entry in ClinVar:

ClinVar aggregate classification (germline): Uncertain significance (1 of 4 stars; one submission).

Conditions:
Nemaline myopathy 2 (NEM2). Also called: Nemaline myopathy 2, autosomal recessive. Identifiers: MedGen C1850569, MONDO:0009725, OMIM 256030.

Submission:

Labcorp Genetics (formerly Invitae), Labcorp
Classification: Uncertain significance for Nemaline myopathy 2. Last evaluated: 2021-04-16. Review status: criteria provided, single submitter. Criteria: Invitae Variant Classification Sherloc (09022015). Collection method: clinical testing. Allele origin: germline.
Comment: This variant is not present in population databases (ExAC no frequency). This variant has not been reported in the literature in individuals with NEB-related conditions. Algorithms developed to predict the effect of missense changes on protein structure and function are either unavailable or do not agree on the potential impact of this missense change (SIFT: "Deleterious"; PolyPhen-2: "Not Available"; Align-GVGD: "Class C0"). In summary, the available evidence is currently insufficient to determine the role of this variant in disease. Therefore, it has been classified as a Variant of Uncertain Significance. This sequence change replaces lysine with glutamine at codon 4102 of the NEB protein (p.Lys4102Gln). The lysine residue is moderately conserved and there is a small physicochemical difference between lysine and glutamine.

NM_001164508.2(NEB):c.12304A>C (p.Lys4102Gln)

Gene: NEB (nebulin; minus strand). Cytogenetic location: 2q23.3.
Variant type: single nucleotide variant.
Coding change: c.12304A>C on transcript NM_001164508.2 (MANE Select); coding-DNA position 12304, A replaced by C.
Protein change: p.Lys4102Gln; replaces lysine 4102 with glutamine.
Molecular consequence: missense variant.
Genome position (GRCh38, 1-based): chr2:151,609,835, T>G on the plus strand (A>C on the coding strand, the complement: NEB is on the minus strand). VCF-style: chr2-151609835-T-G. GRCh37 (hg19) VCF-style: chr2-152466349-T-G.
Other names: c.12304A>C, p.Lys4102Gln (NM_001164507.2, NM_001271208.2); c.11575A>C, p.Lys3859Gln (NM_004543.5); short protein forms K4102Q, K3859Q.
Identifiers: ClinVar variation 1472937 (VCV001472937.7), dbSNP rs2153971169, ClinGen allele CA348776609.
Genomic context (GRCh38, chr2:151,609,835, plus strand): 5'-CCCTTCCCCCTTTCCCAAAATTCATGTTACGTACATCACTCTGCAGGTCATAGGCCTTTT[T>G]TGCTTGGATAATGTCGTTTTGATCCGGCATGCATGTCCATTCATGCAGGTAATTGCGATA-3'
Protein context (NP_001157980.2, residues 4092-4112): MPDQNDIIQA[Lys4102Gln]KAYDLQSDSV